The following is an entry in ClinVar:

ClinVar aggregate classification (germline): Likely benign (1 of 4 stars; one submission).

Allele frequency attached by ClinVar (database versions not stated): gnomAD 0.00013; ExAC 0.00014; TOPMed 0.00017; gnomAD exomes 0.00019; 1000 Genomes Project 0.00020; 1000 Genomes Project 30x 0.00031.

Submission:

CeGaT Center for Human Genetics Tuebingen
Classification: Likely benign. Last evaluated: 2022-11-01. Review status: criteria provided, single submitter. Criteria: CeGaT Center For Human Genetics Tuebingen Variant Classification Criteria Version 2. Collection method: clinical testing. Allele origin: germline. Affected: yes. Observed: 1 variant allele.
Comment: ISG20L2: BP4, BP7

NM_001370150.2(ISG20L2):c.285A>G (p.Lys95=)

Gene: ISG20L2 (interferon stimulated exonuclease gene 20 like 2; minus strand). Cytogenetic location: 1q23.1.
Variant type: single nucleotide variant.
Coding change: c.285A>G on transcript NM_001370150.2 (MANE Select); coding-DNA position 285, A replaced by G.
Protein change: p.Lys95=; no amino-acid change (lysine 95 retained).
Molecular consequence: synonymous variant.
Genome position (GRCh38, 1-based): chr1:156,727,368, T>C on the plus strand (A>G on the coding strand, the complement: ISG20L2 is on the minus strand). VCF-style: chr1-156727368-T-C. GRCh37 (hg19) VCF-style: chr1-156697160-T-C.
Other names: c.285A>G, p.Lys95= (NM_001303095.1, NM_001370151.1, NM_001370152.1).
Identifiers: ClinVar variation 2639463 (VCV002639463.24), dbSNP rs193037773, ClinGen allele CA1165754.